The following is an entry in ClinVar:

NM_014915.3(ANKRD26):c.4610T>A (p.Leu1537His)

Gene: ANKRD26 (ankyrin repeat domain 26; minus strand). Cytogenetic location: 10p12.1.
Variant type: single nucleotide variant.
Coding change: c.4610T>A on transcript NM_014915.3 (MANE Select); coding-DNA position 4610, T replaced by A.
Protein change: p.Leu1537His; replaces leucine 1537 with histidine.
Molecular consequence: missense variant.
Genome position (GRCh38, 1-based): chr10:27,014,608, A>T on the plus strand (T>A on the coding strand, the complement: ANKRD26 is on the minus strand). VCF-style: chr10-27014608-A-T. GRCh37 (hg19) VCF-style: chr10-27303537-A-T.
Other names: c.4607T>A, p.Leu1536His (NM_001256053.2); short protein forms L1537H, L1536H.
Identifiers: ClinVar variation 5023658 (VCV005023658.1).

ClinVar aggregate classification (germline): Uncertain significance (1 of 4 stars; one submission).

Conditions:
Inborn genetic diseases. Identifiers: MedGen C0950123, MeSH D030342.

Submission:

Ambry Genetics
Classification: Uncertain significance for Inborn genetic diseases. Last evaluated: 2026-08-23. Review status: criteria provided, single submitter. Criteria: Ambry Variant Classification Scheme 2023. Collection method: clinical testing. Allele origin: germline.
Comment: The p.L1537H variant (also known as c.4610T>A), located in coding exon 31 of the ANKRD26 gene, results from a T to A substitution at nucleotide position 4610. The leucine at codon 1537 is replaced by histidine, an amino acid with similar properties. This amino acid position is conserved. In addition, this alteration is predicted to be tolerated by in silico analysis. Based on the available evidence, the clinical significance of this variant remains unclear.